The following is an entry in ClinVar:

ClinVar aggregate classification (germline): Pathogenic/Likely pathogenic. Review status: criteria provided, multiple submitters, no conflicts (2 of 4 stars). 2 submissions from 2 submitters: Pathogenic (1); Likely pathogenic (1). Last evaluated 2024-07-12.

Conditions:
Hereditary breast ovarian cancer syndrome. Also called: Hereditary breast and ovarian cancer; Hereditary breast and ovarian cancer syndrome (HBOC); Breast and ovarian cancer; Hereditary breast and ovarian cancer syndrome; BRCA1- and BRCA2-Associated Hereditary Breast and Ovarian Cancer; Hereditary breast and/or ovarian cancer syndrome. Identifiers: Orphanet 145, MedGen C0677776, MeSH D061325, MONDO:0003582. Disease mechanism: loss of function.
Hereditary cancer-predisposing syndrome. Also called: Tumor predisposition; Neoplastic Syndromes, Hereditary; Hereditary neoplastic syndrome; Hereditary Cancer Syndrome. Identifiers: Orphanet 140162, MedGen C0027672, MeSH D009386, MONDO:0015356.

Submissions (2):

Ambry Genetics
Classification: Pathogenic for Hereditary cancer-predisposing syndrome. Last evaluated: 2024-07-12. Review status: criteria provided, single submitter. Criteria: Ambry Variant Classification Scheme 2023. Collection method: clinical testing. Allele origin: germline.
Comment: The c.4623_4632del10 pathogenic mutation, located in coding exon 13 of the BRCA1 gene, results from a deletion of 10 nucleotides at nucleotide positions 4623 to 4632, causing a translational frameshift with a predicted alternate stop codon (p.E1541Dfs*4). This variant is considered to be rare based on population cohorts in the Genome Aggregation Database (gnomAD). This alteration is expected to result in loss of function by premature protein truncation or nonsense-mediated mRNA decay. As such, this alteration is interpreted as a disease-causing mutation.

Women's Health and Genetics/Laboratory Corporation of America, LabCorp
Classification: Likely pathogenic for Hereditary breast and ovarian cancer syndrome. Last evaluated: 2018-04-06. Review status: criteria provided, single submitter. Criteria: LabCorp Variant Classification Summary - May 2015. Collection method: clinical testing. Allele origin: germline.
Comment: Variant summary: BRCA1 c.4623_4632del10 (p.Glu1541AspfsX4) results in a premature termination codon, predicted to cause a truncation of the encoded protein or absence of the protein due to nonsense mediated decay, which are commonly known mechanisms for disease. Truncations downstream of this position have been classified as pathogenic by our laboratory (eg. c.4655_4658delACTT, p.Tyr1552fsX6; c.4689C>G, p.Tyr1563X; c.4754_4755delCA, p.Pro1585fsX36). The variant was absent in 121380 control chromosomes. To our knowledge, no occurrence of c.4623_4632del10 in individuals affected with Hereditary Breast and Ovarian Cancer and no experimental evidence demonstrating its impact on protein function have been reported. No clinical diagnostic laboratories have submitted clinical-significance assessments for this variant to ClinVar after 2014. Based on the evidence outlined above, the variant was classified as likely pathogenic.

NM_007294.4(BRCA1):c.4623_4632del (p.Glu1541fs)

Gene: BRCA1 (BRCA1 DNA repair associated; minus strand). Cytogenetic location: 17q21.31.
Variant type: Deletion.
Coding change: c.4623_4632del on transcript NM_007294.4 (MANE Select); coding-DNA positions 4623 to 4632, 10 bases deleted (GTCTGGGCCA; older notation c.4623_4632delGTCTGGGCCA).
Protein change: p.Glu1541fs; shifts the reading frame from glutamic acid 1541.
Molecular consequence: frameshift variant. On other transcripts: non-coding transcript variant (1).
Genome position (GRCh38, 1-based): chr17:43,074,374-43,074,383, TGGCCCAGAC deleted on the plus strand (GTCTGGGCCA on the coding strand, the reverse complement: BRCA1 is on the minus strand); deleting any 10 consecutive bases within chr17:43,074,374-43,074,384 gives the same sequence; the c. name uses the placement nearest the transcript's 3' end. VCF-style (leftmost placement, unchanged base first): chr17-43074373-GTGGCCCAGAC-G. GRCh37 (hg19) VCF-style: chr17-41226390-GTGGCCCAGAC-G.
Other names: c.4623_4632del10 (NM_007294.3); c.4623_4632delGTCTGGGCCA (NM_007294.3); c.4409_4418delAGTCTGGGCC, p.Glu1470Aspfs (NM_001407571.1, NM_001407894.1, NM_001407895.1 and 12 more transcripts); c.4688_4697delAGTCTGGGCC, p.Glu1563Aspfs (NM_001407581.1, NM_001407582.1); c.4685_4694delAGTCTGGGCC, p.Glu1562Aspfs (NM_001407583.1, NM_001407585.1, NM_001407587.1); c.4682_4691delAGTCTGGGCC, p.Glu1561Aspfs (NM_001407590.1, NM_001407591.1); c.4622_4631delAGTCTGGGCC, p.Glu1541Aspfs (NM_001407593.1, NM_001407594.1, NM_001407596.1 and 8 more transcripts); c.4619_4628delAGTCTGGGCC, p.Glu1540Aspfs (NM_001407610.1, NM_001407611.1, NM_001407612.1 and 17 more transcripts); and 73 more; short protein forms E1562fs, E1541fs, E1494fs, E437fs.
Identifiers: ClinVar variation 633099 (VCV000633099.5), dbSNP rs1567777811, ClinGen allele CA913190342.
Genomic context (GRCh38, chr17:43,074,373, plus strand): 5'-CAGCAGATGAAATATTACCTAGATCTTGCCTTGGCAAGTAAGATGTTTCCGTCAAATCGT[GTGGCCCAGAC>G]TCTTCCAGCTGTTGCTCCTCCACATCAACAACCTTAATGAGCTCCTCTTGAGATGGGTAG-3'